The following is an entry in ClinVar:

NM_005902.4(SMAD3):c.99G>A (p.Lys33=)

Gene: SMAD3 (SMAD family member 3; plus strand). Cytogenetic location: 15q22.33.
Variant type: single nucleotide variant.
Coding change: c.99G>A on transcript NM_005902.4 (MANE Select); coding-DNA position 99, G replaced by A.
Protein change: p.Lys33=; no amino-acid change (lysine 33 retained).
Molecular consequence: synonymous variant.
Genome position (GRCh38, 1-based): chr15:67,066,253, G>A. VCF-style: chr15-67066253-G-A. GRCh37 (hg19) VCF-style: chr15-67358591-G-A.
Other names: c.99G>A, p.Lys33= (NM_001407011.1, NM_001407012.1, NM_001407013.1).
Identifiers: ClinVar variation 3072187 (VCV003072187.2), dbSNP rs1959913592, ClinGen allele CA491015504.
Genomic context (GRCh38, chr15:67,066,253, plus strand): 5'-GCGCCTGCTGGGCTGGAAGAAGGGCGAGCAGAACGGGCAGGAGGAGAAATGGTGCGAGAA[G>A]GCGGTCAAGAGCCTGGTCAAGAAACTCAAGAAGACGGGGCAGCTGGACGAGCTGGAGAAG-3'
Protein context (NP_005893.1, residues 23-43): QNGQEEKWCE[Lys33=]AVKSLVKKLK

ClinVar aggregate classification (germline): Likely benign (1 of 4 stars; one submission).

Conditions:
Aneurysm-osteoarthritis syndrome. Also called: SMAD3-Related Loeys-Dietz Syndrome; ANEURYSMS-OSTEOARTHRITIS SYNDROME; Loeys-Dietz syndrome, type 1C; LOEYS-DIETZ SYNDROME WITH OSTEOARTHRITIS. Identifiers: Orphanet 284984, MedGen C3151087, MONDO:0013426, OMIM 613795.

Allele frequency attached by ClinVar (database versions not stated): gnomAD exomes below 0.00001; gnomAD 0.00001.
gnomAD v4.1: 2 of 1,613,710 alleles (0.00012%); highest among the groups gnomAD compares: Middle Eastern, 0.016%; no homozygotes.

Submission:

All of Us Research Program, National Institutes of Health
Classification: Likely benign for Aneurysm-osteoarthritis syndrome. Last evaluated: 2024-07-10. Review status: criteria provided, single submitter. Criteria: ACMG Guidelines, 2015. Collection method: clinical testing. Allele origin: germline. Inheritance: Autosomal dominant inheritance. Observed: 2 variant alleles, 2 heterozygotes.
Comment: This study involves interpretation of variants in research participants for the purpose of population health screening. Participant phenotype was not available at the time of variant classification. Additional details can be found in publication PMID: 35346344, PMCID: PMC8962531